The following is an entry in ClinVar:

ClinVar aggregate classification (germline): Uncertain significance (1 of 4 stars; one submission).

Conditions:
Mucopolysaccharidosis type 1. Also called: Mucopolysaccharidosis Type I; IDUA deficiency; MPS I. Identifiers: Orphanet 579, MedGen C0023786, MONDO:0001586.

Allele frequency attached by ClinVar (database versions not stated): gnomAD exomes below 0.00001; TOPMed below 0.00001.
gnomAD v4.1: 1 of 1,565,968 alleles (0.000064%); highest among the groups gnomAD compares: South Asian, 0.0012%; no homozygotes.

Submission:

Labcorp Genetics (formerly Invitae), Labcorp
Classification: Uncertain significance for Mucopolysaccharidosis type 1. Last evaluated: 2021-01-01. Review status: criteria provided, single submitter. Criteria: Invitae Variant Classification Sherloc (09022015). Collection method: clinical testing. Allele origin: germline.
Comment: In summary, the available evidence is currently insufficient to determine the role of this variant in disease. Therefore, it has been classified as a Variant of Uncertain Significance. Algorithms developed to predict the effect of missense changes on protein structure and function output the following: SIFT: "Tolerated"; PolyPhen-2: "Benign"; Align-GVGD: "Class C0". The threonine amino acid residue is found in multiple mammalian species, suggesting that this missense change does not adversely affect protein function. These predictions have not been confirmed by published functional studies and their clinical significance is uncertain. This variant has not been reported in the literature in individuals with IDUA-related conditions. This variant is not present in population databases (ExAC no frequency). This sequence change replaces alanine with threonine at codon 314 of the IDUA protein (p.Ala314Thr). The alanine residue is highly conserved and there is a small physicochemical difference between alanine and threonine.

NM_000203.5(IDUA):c.940G>A (p.Ala314Thr)

Gene: IDUA (alpha-L-iduronidase; plus strand). Cytogenetic location: 4p16.3.
Variant type: single nucleotide variant.
Coding change: c.940G>A on transcript NM_000203.5 (MANE Select); coding-DNA position 940, G replaced by A.
Protein change: p.Ala314Thr; replaces alanine 314 with threonine.
Molecular consequence: missense variant. On other transcripts: non-coding transcript variant (1).
Genome position (GRCh38, 1-based): chr4:1,002,129, G>A. VCF-style: chr4-1002129-G-A. GRCh37 (hg19) VCF-style: chr4-995917-G-A.
Other names: c.544G>A, p.Ala182Thr (NM_001363576.1); short protein forms A182T, A314T.
Identifiers: ClinVar variation 1433915 (VCV001433915.8), dbSNP rs1715123919, ClinGen allele CA355962722.